The following is an entry in ClinVar:

ClinVar aggregate classification (germline): Benign. Review status: criteria provided, multiple submitters, no conflicts (2 of 4 stars). 2 submissions from 2 submitters: Benign (2). Last evaluated 2018-01-13.

Conditions:
Cataract 14 multiple types. Also called: CATARACT 14, ZONULAR PULVERULENT; CATARACT 14, NUCLEAR PULVERULENT; CATARACT 14, NUCLEAR PULVERULENT AND POSTERIOR POLAR; CATARACT 14, NUCLEAR CORALLIFORM; CATARACT 14, EMBRYONAL NUCLEAR; CATARACT 14, COPPOCK-LIKE. Identifiers: Orphanet 91492, MedGen C1866078, MONDO:0011162, OMIM 601885.

Allele frequency attached by ClinVar (database versions not stated): 1000 Genomes Project 30x 0.16037; gnomAD 0.18045 and 0.18797; gnomAD exomes 0.50000; 1000 Genomes Project 0.15835; TOPMed 0.17615.

Submissions (2):

Illumina Laboratory Services, Illumina
Classification: Benign for Cataract 14 multiple types. Last evaluated: 2018-01-13. Review status: criteria provided, single submitter. Criteria: ICSL Variant Classification Criteria 13 December 2019. Collection method: clinical testing. Allele origin: germline.
Comment: This variant was observed in the ICSL laboratory as part of a predisposition screen in an ostensibly healthy population. It had not been previously curated by ICSL or reported in the Human Gene Mutation Database (HGMD: prior to June 1st, 2018), and was therefore a candidate for classification through an automated scoring system. Utilizing variant allele frequency, disease prevalence and penetrance estimates, and inheritance mode, an automated score was calculated to assess if this variant is too frequent to cause the disease. Based on the score and internal cut-off values, a variant classified as benign is not then subjected to further curation. The score for this variant resulted in a classification of benign for this disease.

Breakthrough Genomics
Classification: Benign. Review status: criteria provided, single submitter. Criteria: ACMG Guidelines, 2015. Collection method: not provided. Allele origin: germline. Inheritance: Autosomal dominant inheritance. Affected: yes.

NM_021954.4(GJA3):c.*2469T>C

Gene: GJA3 (gap junction protein alpha 3; minus strand). Cytogenetic location: 13q12.11.
Variant type: single nucleotide variant.
Coding change: c.*2469T>C on transcript NM_021954.4 (MANE Select); 2469 bases downstream of the stop codon, T replaced by C.
Molecular consequence: 3 prime UTR variant.
Genome position (GRCh38, 1-based): chr13:20,139,512, A>G on the plus strand (T>C on the coding strand, the complement: GJA3 is on the minus strand). VCF-style: chr13-20139512-A-G. GRCh37 (hg19) VCF-style: chr13-20713651-A-G.
Identifiers: ClinVar variation 311297 (VCV000311297.6), dbSNP rs60759737, ClinGen allele CA10643878.
Genomic context (GRCh38, chr13:20,139,512, plus strand): 5'-AAAGGACTAGTTGAGTAGAGAACAATTCCACACTGCCTGAGAGAGAAGGACCCAGCCTTT[A>G]GAATCATGGATACCTCAAAGAGCAAAAGGATGTGAAACATGCGTTCATTTCTTACATGAA-3'